The following is an entry in ClinVar:

ClinVar aggregate classification (germline): Uncertain significance (1 of 4 stars; one submission).

Conditions:
Melnick-Needles syndrome (MNS). Also called: MELNICK-NEEDLES OSTEODYSPLASTY; OSTEODYSPLASTY OF MELNICK AND NEEDLES; Melnick-Needles Syndrome (FLNA-MNS). Identifiers: Orphanet 2484, MedGen C0025237, MONDO:0010650, OMIM 309350.
Frontometaphyseal dysplasia (FMD1). Identifiers: Orphanet 1826, MedGen C0265293, MONDO:0015942.
Heterotopia, periventricular, X-linked dominant (PVNH1). Also called: PERIVENTRICULAR NODULAR HETEROTOPIA 1; X-linked periventricular heterotopia; PERIVENTRICULAR NODULAR HETEROTOPIA 4; HETEROTOPIA, PERIVENTRICULAR, 1. Identifiers: Orphanet 2149, Orphanet 82004, MedGen C1848213, MONDO:0010233, OMIM 300049.
Oto-palato-digital syndrome, type II (OPD2). Also called: FACIOPALATOOSSEOUS SYNDROME; OPD II SYNDROME; Otopalatodigital Syndrome, Type II; Otopalatodigital Syndrome Type 2 (FLNA-OPD2). Identifiers: Orphanet 669, Orphanet 90652, MedGen C1844696, MONDO:0010571, OMIM 304120.

Submission:

Labcorp Genetics (formerly Invitae), Labcorp
Classification: Uncertain significance for Oto-palato-digital syndrome, type II; Heterotopia, periventricular, X-linked dominant; Frontometaphyseal dysplasia; Melnick-Needles syndrome. Last evaluated: 2024-08-20. Review status: criteria provided, single submitter. Criteria: Invitae Variant Classification Sherloc (09022015). Collection method: clinical testing. Allele origin: germline.
Comment: This sequence change replaces arginine, which is basic and polar, with leucine, which is neutral and non-polar, at codon 1296 of the FLNA protein (p.Arg1296Leu). This variant is not present in population databases (gnomAD no frequency). This variant has not been reported in the literature in individuals affected with FLNA-related conditions. Invitae Evidence Modeling of protein sequence and biophysical properties (such as structural, functional, and spatial information, amino acid conservation, physicochemical variation, residue mobility, and thermodynamic stability) indicates that this missense variant is not expected to disrupt FLNA protein function with a negative predictive value of 95%. In summary, the available evidence is currently insufficient to determine the role of this variant in disease. Therefore, it has been classified as a Variant of Uncertain Significance.

NM_001110556.2(FLNA):c.3887G>T (p.Arg1296Leu)

Gene: FLNA (filamin A; minus strand). Cytogenetic location: Xq28.
Variant type: single nucleotide variant.
Coding change: c.3887G>T on transcript NM_001110556.2 (MANE Select); coding-DNA position 3887, G replaced by T.
Protein change: p.Arg1296Leu; replaces arginine 1296 with leucine.
Molecular consequence: missense variant.
Genome position (GRCh38, 1-based): chrX:154,359,824, C>A on the plus strand (G>T on the coding strand, the complement: FLNA is on the minus strand). VCF-style: chrX-154359824-C-A. GRCh37 (hg19) VCF-style: chrX-153588192-C-A.
Other names: c.3887G>T, p.Arg1296Leu (NM_001456.4); short protein forms R1296L.
Identifiers: ClinVar variation 3751895 (VCV003751895.2).